The following is an entry in ClinVar:

NM_199355.4(ADAMTS18):c.35C>T (p.Pro12Leu)

Gene: ADAMTS18 (ADAM metallopeptidase with thrombospondin type 1 motif 18; minus strand). Cytogenetic location: 16q23.1.
Variant type: single nucleotide variant.
Coding change: c.35C>T on transcript NM_199355.4 (MANE Select); coding-DNA position 35, C replaced by T.
Protein change: p.Pro12Leu; replaces proline 12 with leucine.
Molecular consequence: missense variant. On other transcripts: 5 prime UTR variant (1).
Genome position (GRCh38, 1-based): chr16:77,434,661, G>A on the plus strand (C>T on the coding strand, the complement: ADAMTS18 is on the minus strand). VCF-style: chr16-77434661-G-A. GRCh37 (hg19) VCF-style: chr16-77468558-G-A.
Other names: c.-486C>T (NM_001326358.2); short protein forms P12L.
Identifiers: ClinVar variation 1502571 (VCV001502571.6), dbSNP rs200952997, ClinGen allele CA284898503.

ClinVar aggregate classification (germline): Uncertain significance (1 of 4 stars; one submission).

gnomAD v4.1: 18 of 1,479,346 alleles (0.0012%); highest among the groups gnomAD compares: African/African-American, 0.015%; no homozygotes.

Submission:

Labcorp Genetics (formerly Invitae), Labcorp
Classification: Uncertain significance. Last evaluated: 2023-06-30. Review status: criteria provided, single submitter. Criteria: Invitae Variant Classification Sherloc (09022015). Collection method: clinical testing. Allele origin: germline.
Comment: The frequency data for this variant in the population databases is considered unreliable, as metrics indicate poor data quality at this position in the gnomAD database. This variant has not been reported in the literature in individuals affected with ADAMTS18-related conditions. ClinVar contains an entry for this variant (Variation ID: 1502571). An algorithm developed to predict the effect of missense changes on protein structure and function (PolyPhen-2) suggests that this variant¬†is likely to be tolerated. In summary, the available evidence is currently insufficient to determine the role of this variant in disease. Therefore, it has been classified as a Variant of Uncertain Significance. This sequence change replaces proline, which is neutral and non-polar, with leucine, which is neutral and non-polar, at codon 12 of the ADAMTS18 protein (p.Pro12Leu).